The following is an entry in ClinVar:

NM_000744.7(CHRNA4):c.1798C>T (p.Arg600Cys)

Gene: CHRNA4 (cholinergic receptor nicotinic alpha 4 subunit; minus strand). Cytogenetic location: 20q13.33.
Variant type: single nucleotide variant.
Coding change: c.1798C>T on transcript NM_000744.7 (MANE Select); coding-DNA position 1798, C replaced by T.
Protein change: p.Arg600Cys; replaces arginine 600 with cysteine.
Molecular consequence: missense variant. On other transcripts: non-coding transcript variant (1).
Genome position (GRCh38, 1-based): chr20:63,346,824, G>A on the plus strand (C>T on the coding strand, the complement: CHRNA4 is on the minus strand). VCF-style: chr20-63346824-G-A. GRCh37 (hg19) VCF-style: chr20-61978176-G-A.
Other names: c.1270C>T, p.Arg424Cys (NM_001256573.2); short protein forms R424C, R600C.
Identifiers: ClinVar variation 3709848 (VCV003709848.2).

ClinVar aggregate classification (germline): Uncertain significance (1 of 4 stars; one submission).

Conditions:
Familial sleep-related hypermotor epilepsy. Also called: Autosomal Dominant Sleep-Related Hypermotor (Hyperkinetic) Epilepsy. Identifiers: Orphanet 98784, MedGen C3696898, MONDO:0000030.

Submission:

Labcorp Genetics (formerly Invitae), Labcorp
Classification: Uncertain significance. Last evaluated: 2025-01-25. Review status: criteria provided, single submitter. Criteria: Invitae Variant Classification Sherloc (09022015). Collection method: clinical testing. Allele origin: germline.
Comment: This sequence change replaces arginine, which is basic and polar, with cysteine, which is neutral and slightly polar, at codon 600 of the CHRNA4 protein (p.Arg600Cys). This variant is present in population databases (rs760960954, gnomAD 0.007%). This variant has not been reported in the literature in individuals affected with CHRNA4-related conditions. Invitae Evidence Modeling of protein sequence and biophysical properties (such as structural, functional, and spatial information, amino acid conservation, physicochemical variation, residue mobility, and thermodynamic stability) indicates that this missense variant is expected to disrupt CHRNA4 protein function with a positive predictive value of 80%. In summary, the available evidence is currently insufficient to determine the role of this variant in disease. Therefore, it has been classified as a Variant of Uncertain Significance.